The following is an entry in ClinVar:

NM_015450.3(POT1):c.1505+3A>G

Gene: POT1 (protection of telomeres 1; minus strand). Cytogenetic location: 7q31.33.
Variant type: single nucleotide variant.
Coding change: c.1505+3A>G on transcript NM_015450.3 (MANE Select); 3 bases into the intron after coding-DNA position 1505, A replaced by G.
Molecular consequence: intron variant.
Genome position (GRCh38, 1-based): chr7:124,835,276, T>C on the plus strand (A>G on the coding strand, the complement: POT1 is on the minus strand). VCF-style: chr7-124835276-T-C. GRCh37 (hg19) VCF-style: chr7-124475330-T-C.
Other names: c.1112+3A>G (NM_001042594.2).
Identifiers: ClinVar variation 571862 (VCV000571862.19), dbSNP rs1227070716, ClinGen allele CA832765335.

ClinVar aggregate classification (germline): Conflicting classifications of pathogenicity. Review status: criteria provided, conflicting classifications (1 of 4 stars). 5 submissions from 5 submitters: Pathogenic (1); Uncertain significance (4). Last evaluated 2026-01-27.

Conditions:
Long telomere syndrome.
Pulmonary fibrosis and/or bone marrow failure syndrome, telomere-related, 8 (PFBMFT8). Identifiers: MedGen C5830496, MONDO:0957263, OMIM 620367.
Tumor predisposition syndrome 3 (TPDS3). Also called: Melanoma, cutaneous malignant, susceptibility to, 10; LONG TELOMERE SYNDROME, POT1-RELATED; POT1 Tumor Predisposition; Glioma susceptibility 9. Identifiers: Orphanet 618, MedGen C4014476, MONDO:0014368, OMIM 615848.
Cerebroretinal microangiopathy with calcifications and cysts 3 (CRMCC3). Identifiers: MedGen C5830497, MONDO:0957264, OMIM 620368.
Hereditary cancer-predisposing syndrome. Also called: Tumor predisposition; Neoplastic Syndromes, Hereditary; Hereditary neoplastic syndrome; Hereditary Cancer Syndrome. Identifiers: Orphanet 140162, MedGen C0027672, MeSH D009386, MONDO:0015356.

Allele frequency attached by ClinVar (database versions not stated): TOPMed below 0.00001; gnomAD 0.00001; gnomAD exomes 0.00001.
gnomAD v4.1: 8 of 1,503,702 alleles (0.00053%); highest among the groups gnomAD compares: African/African-American, 0.0014%; no homozygotes.

Submissions (5):

Labcorp Genetics (formerly Invitae), Labcorp
Classification: Uncertain significance for Tumor predisposition syndrome 3. Last evaluated: 2026-01-27. Review status: criteria provided, single submitter. Criteria: Invitae Variant Classification Sherloc (09022015). Collection method: clinical testing. Allele origin: germline.
Comment: This sequence change falls in intron 15 of the POT1 gene. It does not directly change the encoded amino acid sequence of the POT1 protein. It affects a nucleotide within the consensus splice site. This variant is not present in population databases (gnomAD no frequency). This variant has not been reported in the literature in individuals affected with POT1-related conditions. ClinVar contains an entry for this variant (Variation ID: 571862). Variants that disrupt the consensus splice site are a relatively common cause of aberrant splicing (PMID: 17576681, 9536098). Studies have shown that this variant is associated with inconclusive levels of altered splicing (internal data). In summary, the available evidence is currently insufficient to determine the role of this variant in disease. Therefore, it has been classified as a Variant of Uncertain Significance.

The Telomere Center at Johns Hopkins, Johns Hopkins University School of Medicine
Classification: Pathogenic for Long Telomere Syndrome. Last evaluated: 2025-12-23. Review status: criteria provided, single submitter. Criteria: Davidson-Swinton et al. (Blood. 2026). Collection method: clinical testing. Allele origin: germline. Affected: yes.

Ambry Genetics
Classification: Uncertain significance for Hereditary cancer-predisposing syndrome. Last evaluated: 2025-09-30. Review status: criteria provided, single submitter. Criteria: Ambry Variant Classification Scheme 2023. Collection method: clinical testing. Allele origin: germline.
Comment: The c.1505+3A>G intronic variant results from an A to G substitution 3 nucleotides after coding exon 11 in the POT1 gene. This nucleotide position is highly conserved in available vertebrate species. In silico splice site analysis predicts that this alteration will weaken the native splice donor site; however, direct evidence is insufficient at this time (Ambry internal data). Since supporting evidence is limited at this time, the clinical significance of this alteration remains unclear.

GeneDx
Classification: Uncertain significance. Last evaluated: 2024-06-26. Review status: criteria provided, single submitter. Criteria: GeneDx Variant Classification Process June 2021. Collection method: clinical testing. Allele origin: germline. Affected: yes.
Comment: Not observed at significant frequency in large population cohorts (gnomAD); In silico analysis supports a deleterious effect on splicing; Has not been previously published as pathogenic or benign to our knowledge

Fulgent Genetics
Classification: Uncertain significance for Tumor predisposition syndrome 3; Pulmonary fibrosis and/or bone marrow failure syndrome, telomere-related, 8; Cerebroretinal microangiopathy with calcifications and cysts 3. Last evaluated: 2024-03-12. Review status: criteria provided, single submitter. Criteria: ACMG Guidelines, 2015. Collection method: clinical testing. Allele origin: germline.

Literature cited by the submitters: PubMed 17576681 (cited by Labcorp Genetics (formerly Invitae), Labcorp); PubMed 9536098 (cited by Labcorp Genetics (formerly Invitae), Labcorp).